The following is an entry in ClinVar:

ClinVar aggregate classification (germline): Likely pathogenic (1 of 4 stars; one submission).

Conditions:
Ullrich congenital muscular dystrophy 2 (UCMD2). Identifiers: Orphanet 75840, MedGen C4225314, MONDO:0014654, OMIM 616470.

Submission:

OLLIN Analises Genomicas, OLLIN
Classification: Likely pathogenic for Ullrich congenital muscular dystrophy 2. Last evaluated: 2026-08-06. Review status: criteria provided, single submitter. Criteria: ACMG Guidelines 2015 PMID 25741868. Collection method: clinical testing. Allele origin: germline. Inheritance: Autosomal recessive inheritance.
Comment: This frameshift variant, located in exon 16 (of 66), is absent from gnomAD and ClinVar and has not been identified in the literature. This variant causes a frameshift and introduces a premature stop codon, which is predicted to result in either a truncated protein or degradation of the mRNA via nonsense-mediated decay (NMD). According to the currently available evidence, this variant has been classified as likely pathogenic (PVS1, PM2_P).

NM_004370.6(COL12A1):c.3254del (p.Ser1085fs)

Gene: COL12A1 (collagen type XII alpha 1 chain; minus strand). Cytogenetic location: 6q13.
Variant type: Deletion.
Coding change: c.3254del on transcript NM_004370.6 (MANE Select); coding-DNA position 3254, one base deleted (C; older notation c.3254delC).
Protein change: p.Ser1085fs; shifts the reading frame from serine 1085.
Molecular consequence: frameshift variant. On other transcripts: intron variant (2).
Genome position (GRCh38, 1-based): chr6:75,155,851, G deleted on the plus strand (C on the coding strand, the reverse complement: COL12A1 is on the minus strand). VCF-style (leftmost placement, unchanged base first): chr6-75155850-AG-A. GRCh37 (hg19) VCF-style: chr6-75865566-AG-A.
Other names: c.3254del, p.Ser1085fs (NM_001424113.1, NM_001424114.1); c.2981del, p.Ser994fs (NM_001424115.1); c.74-3369del (NM_001424116.1, NM_080645.3); short protein forms S1085fs, S994fs.
Identifiers: ClinVar variation 5002990 (VCV005002990.1).
Genomic context (GRCh38, chr6:75,155,850, plus strand): 5'-CACTCGGAAGCTTGACATGGTTGGGTCAGATGTTTTGAGGTTTCTAGGAGACTTAAACCG[AG>A]AAGCTGTAAAGACAAAAAGATTTTTAAAATATTATCTGTAAGACTAGGCTTTGGGGTTTC-3'